The following is an entry in ClinVar:

ClinVar aggregate classification (germline): Pathogenic (1 of 4 stars; one submission).

Submission:

CeGaT Center for Human Genetics Tuebingen
Classification: Pathogenic. Last evaluated: 2023-05-01. Review status: criteria provided, single submitter. Criteria: CeGaT Center For Human Genetics Tuebingen Variant Classification Criteria Version 2. Collection method: clinical testing. Allele origin: germline. Affected: yes. Observed: 1 variant allele.
Comment: SMG8: PVS1, PM2

NM_018149.7(SMG8):c.1541dup (p.Asn514fs)

Gene: SMG8 (SMG8 nonsense mediated mRNA decay factor; plus strand). Cytogenetic location: 17q22.
Variant type: Duplication.
Coding change: c.1541dup on transcript NM_018149.7 (MANE Select); coding-DNA position 1541, one base duplicated (A; older notation c.1541dupA).
Protein change: p.Asn514fs; shifts the reading frame from asparagine 514.
Molecular consequence: frameshift variant.
Genome position (GRCh38, 1-based): chr17:59,211,592, A duplicated; the last of 3 consecutive A bases (chr17:59,211,590-59,211,592); duplicating any one gives the same sequence. VCF-style (leftmost placement, unchanged base first): chr17-59211589-C-CA. GRCh37 (hg19) VCF-style: chr17-57288950-C-CA.
Other names: short protein forms N514fs.
Identifiers: ClinVar variation 2647977 (VCV002647977.24), dbSNP rs2546573732, ClinGen allele CA2695200308.